The following is an entry in ClinVar:

NM_173651.4(FSIP2):c.18864A>G (p.Leu6288=)

Gene: FSIP2 (fibrous sheath interacting protein 2; plus strand). Cytogenetic location: 2q32.1.
Variant type: single nucleotide variant.
Coding change: c.18864A>G on transcript NM_173651.4 (MANE Select); coding-DNA position 18864, A replaced by G.
Protein change: p.Leu6288=; no amino-acid change (leucine 6288 retained).
Molecular consequence: synonymous variant.
Genome position (GRCh38, 1-based): chr2:185,808,170, A>G. VCF-style: chr2-185808170-A-G. GRCh37 (hg19) VCF-style: chr2-186672897-A-G.
Identifiers: ClinVar variation 3060887 (VCV003060887.2), dbSNP rs4666690, ClinGen allele CA2017624.
Genomic context (GRCh38, chr2:185,808,170, plus strand): 5'-TTCTGTATTTAAAGATTTAATGGGTAAAAGCAATGTCCTCTCTGATACAATAGGCTTTTT[A>G]ATGGTGAATGCAATTTCGAATTCTGAATTTCAACCTCAAGTAGAGGAAGAAGTATCAAAT-3'
Protein context (NP_775922.3, residues 6278-6298): SNVLSDTIGF[Leu6288=]MVNAISNSEF

ClinVar aggregate classification (germline): Benign (0 of 4 stars; one submission).

Conditions:
FSIP2-related disorder. Also called: FSIP2-related condition.

Allele frequency attached by ClinVar (database versions not stated): gnomAD 0.31387; 1000 Genomes Project 30x 0.32714; ExAC 0.32746; gnomAD exomes 0.33364; ESP Exome Variant Server 0.31952; TOPMed 0.32343; 1000 Genomes Project 0.32688.
gnomAD v4.1: 534,572 of 1,609,844 alleles (33%); highest among the groups gnomAD compares: Middle Eastern, 37%; 90,472 homozygotes.

Submission:

PreventionGenetics, part of Exact Sciences
Classification: Benign for FSIP2-related condition. Last evaluated: 2019-10-22. Review status: no assertion criteria provided. Collection method: clinical testing. Allele origin: germline.
Comment: This variant is classified as benign based on ACMG/AMP sequence variant interpretation guidelines (Richards et al. 2015 PMID: 25741868, with internal and published modifications).